The following is an entry in ClinVar:

ClinVar aggregate classification (germline): Uncertain significance (1 of 4 stars; one submission).

Conditions:
Colorectal cancer, hereditary nonpolyposis, type 7. Identifiers: Orphanet 144, MedGen C1858380, MONDO:0013725, OMIM 614385.

Submission:

Labcorp Genetics (formerly Invitae), Labcorp
Classification: Uncertain significance for Colorectal cancer, hereditary nonpolyposis, type 7. Last evaluated: 2025-11-11. Review status: criteria provided, single submitter. Criteria: Invitae Variant Classification Sherloc (09022015). Collection method: clinical testing. Allele origin: germline.
Comment: This sequence change replaces alanine, which is neutral and non-polar, with aspartic acid, which is acidic and polar, at codon 104 of the MLH3 protein (p.Ala104Asp). This variant is not present in population databases (gnomAD no frequency). This variant has not been reported in the literature in individuals affected with MLH3-related conditions. An algorithm developed to predict the effect of missense changes on protein structure and function (PolyPhen-2) suggests that this variant is likely to be disruptive. In summary, the available evidence is currently insufficient to determine the role of this variant in disease. Therefore, it has been classified as a Variant of Uncertain Significance.

NM_001040108.2(MLH3):c.311C>A (p.Ala104Asp)

Gene: MLH3 (mutL homolog 3; minus strand). Cytogenetic location: 14q24.3.
Variant type: single nucleotide variant.
Coding change: c.311C>A on transcript NM_001040108.2 (MANE Select); coding-DNA position 311, C replaced by A.
Protein change: p.Ala104Asp; replaces alanine 104 with aspartic acid.
Molecular consequence: missense variant.
Genome position (GRCh38, 1-based): chr14:75,049,345, G>T on the plus strand (C>A on the coding strand, the complement: MLH3 is on the minus strand). VCF-style: chr14-75049345-G-T. GRCh37 (hg19) VCF-style: chr14-75516048-G-T.
Other names: c.311C>A, p.Ala104Asp (NM_014381.3); short protein forms A104D.
Identifiers: ClinVar variation 4707335 (VCV004707335.1).